The following is an entry in ClinVar:

ClinVar aggregate classification (germline): Uncertain significance. Review status: criteria provided, multiple submitters, no conflicts (2 of 4 stars). 3 submissions from 3 submitters: Uncertain significance (3). Last evaluated 2025-01-24.

Conditions:
Charcot-Marie-Tooth disease type 4. Also called: Charcot-Marie-Tooth disease, type IV; Charcot-Marie-Tooth, Type 4. Identifiers: Orphanet 64749, MedGen C4082197, MONDO:0018995.
SBF2-related disorder. Also called: SBF2-related condition.
Charcot-Marie-Tooth disease. Also called: Charcot-Marie-Tooth Hereditary Neuropathy; Charcot-Marie-Tooth Neuropathy. Identifiers: Orphanet 166, MedGen C0007959, MONDO:0015626.

Allele frequency attached by ClinVar (database versions not stated): gnomAD 0.00003.
gnomAD v4.1: 11 of 1,613,948 alleles (0.00068%); highest among the groups gnomAD compares: Non-Finnish European, 0.00085%; no homozygotes.

Submissions (3):

PreventionGenetics, part of Exact Sciences
Classification: Uncertain significance for SBF2-related condition. Last evaluated: 2025-01-24. Review status: criteria provided, single submitter. Criteria: ACMG Guidelines, 2015. Collection method: clinical testing. Allele origin: germline.
Comment: The SBF2 c.1573T>C variant is predicted to result in the amino acid substitution p.Cys525Arg. This variant was reported as a variant of uncertain significance in a large cohort study of patients with Charcot-Marie-Tooth disease (Supp. Table 2 in Volodarsky et al. 2021. PubMed ID: 32376792). This variant is reported in 0.0065% of alleles in individuals of European (non-Finnish) descent in gnomAD. At this time, the clinical significance of this variant is uncertain due to the absence of conclusive functional and genetic evidence.

Labcorp Genetics (formerly Invitae), Labcorp
Classification: Uncertain significance for Charcot-Marie-Tooth disease type 4. Last evaluated: 2024-10-13. Review status: criteria provided, single submitter. Criteria: Invitae Variant Classification Sherloc (09022015). Collection method: clinical testing. Allele origin: germline.
Comment: This sequence change replaces cysteine, which is neutral and slightly polar, with arginine, which is basic and polar, at codon 525 of the SBF2 protein (p.Cys525Arg). This variant is present in population databases (no rsID available, gnomAD 0.002%). This missense change has been observed in individual(s) with clinical features of Charcot-Marie-Tooth disease (PMID: 32376792). ClinVar contains an entry for this variant (Variation ID: 543413). Invitae Evidence Modeling of protein sequence and biophysical properties (such as structural, functional, and spatial information, amino acid conservation, physicochemical variation, residue mobility, and thermodynamic stability) indicates that this missense variant is not expected to disrupt SBF2 protein function with a negative predictive value of 80%. In summary, the available evidence is currently insufficient to determine the role of this variant in disease. Therefore, it has been classified as a Variant of Uncertain Significance.

Molecular Genetics Laboratory, London Health Sciences Centre
Classification: Uncertain significance for Charcot-Marie-Tooth disease. Review status: criteria provided, single submitter. Criteria: ACMG Guidelines, 2015. Collection method: clinical testing. Allele origin: germline. Affected: yes.

Literature cited by the submitters: PubMed 32376792 (cited by Labcorp Genetics (formerly Invitae), Labcorp).

NM_030962.4(SBF2):c.1573T>C (p.Cys525Arg)

Gene: SBF2 (SET binding factor 2; minus strand). Cytogenetic location: 11p15.4.
Variant type: single nucleotide variant.
Coding change: c.1573T>C on transcript NM_030962.4 (MANE Select); coding-DNA position 1573, T replaced by C.
Protein change: p.Cys525Arg; replaces cysteine 525 with arginine.
Molecular consequence: missense variant.
Genome position (GRCh38, 1-based): chr11:9,968,368, A>G on the plus strand (T>C on the coding strand, the complement: SBF2 is on the minus strand). VCF-style: chr11-9968368-A-G. GRCh37 (hg19) VCF-style: chr11-9989915-A-G.
Other names: c.1573T>C, p.Cys525Arg (NM_001386339.1); c.1444T>C, p.Cys482Arg (NM_001386342.1); short protein forms C525R, C482R.
Identifiers: ClinVar variation 543413 (VCV000543413.9), dbSNP rs746860317, ClinGen allele CA379629524.
Genomic context (GRCh38, chr11:9,968,368, plus strand): 5'-GTTTACTTTTAAAACAGACAGACAAATACATACCAACAGGTGGACCTGCTGGCACAACAC[A>G]TTTCTTTTCTATTCGTGTGGCAGGAGGTGCATTCTGGTTCTTAGCAACATTTTCCTGTAT-3'
Protein context (NP_112224.1, residues 515-535): APPATRIEKK[Cys525Arg]VVPAGPPVVS